The following is an entry in ClinVar:

NM_004006.3(DMD):c.9818A>C (p.Lys3273Thr)

Gene: DMD (dystrophin; minus strand). Cytogenetic location: Xp21.2.
Variant type: single nucleotide variant.
Coding change: c.9818A>C on transcript NM_004006.3 (MANE Select); coding-DNA position 9818, A replaced by C.
Protein change: p.Lys3273Thr; replaces lysine 3273 with threonine.
Molecular consequence: missense variant.
Genome position (GRCh38, 1-based): chrX:31,182,894, T>G on the plus strand (A>C on the coding strand, the complement: DMD is on the minus strand). VCF-style: chrX-31182894-T-G. GRCh37 (hg19) VCF-style: chrX-31201011-T-G.
Other names: c.9794A>C, p.Lys3265Thr (NM_000109.4); c.9806A>C, p.Lys3269Thr (NM_004009.3); c.9449A>C, p.Lys3150Thr (NM_004010.3); c.5795A>C, p.Lys1932Thr (NM_004011.4); c.5786A>C, p.Lys1929Thr (NM_004012.4); c.2438A>C, p.Lys813Thr (NM_004013.3, NM_004020.4, NM_004021.3 and 2 more transcripts); c.1631A>C, p.Lys544Thr (NM_004014.3); c.614A>C, p.Lys205Thr (NM_004015.3, NM_004016.3, NM_004017.3 and 2 more transcripts); short protein forms K205T, K1929T, K3269T, K3150T, K3265T, K544T, K813T, K1932T.
Identifiers: ClinVar variation 2565099 (VCV002565099.2), dbSNP rs2520025285, ClinGen allele CA412653664.
Genomic context (GRCh38, chrX:31,182,894, plus strand): 5'-ACCATGGACTGGGGTTCCAGTCTCATCCAGTCTAGGAAGAGGGCCGCTTCGATCTCTGGC[T>G]TATTATTAGCCTGCAAAGACAGGAGGGAGAGAGAAGGAGGGCAAAAGGATGAAAGGAAAG-3'
Protein context (NP_003997.2, residues 3263-3283): VRSCFQFANN[Lys3273Thr]PEIEAALFLD

ClinVar aggregate classification (germline): Uncertain significance (1 of 4 stars; one submission).

Conditions:
Cardiovascular phenotype. Identifiers: MedGen CN230736.

Allele frequency attached by ClinVar (database versions not stated): gnomAD exomes below 0.00001.
gnomAD v4.1: 1 of 1,208,074 alleles (0.000083%); highest among the groups gnomAD compares: African/African-American, 0.0018%; no homozygotes.

Submission:

Ambry Genetics
Classification: Uncertain significance for Cardiovascular phenotype. Last evaluated: 2023-05-18. Review status: criteria provided, single submitter. Criteria: Ambry Variant Classification Scheme 2023. Collection method: clinical testing. Allele origin: germline.
Comment: The p.K3273T variant (also known as c.9818A>C), located in coding exon 68 of the DMD gene, results from an A to C substitution at nucleotide position 9818. The lysine at codon 3273 is replaced by threonine, an amino acid with similar properties. This amino acid position is highly conserved in available vertebrate species. In addition, the in silico prediction for this alteration is inconclusive. Since supporting evidence is limited at this time, the clinical significance of this alteration remains unclear.